The following is an entry in ClinVar:

ClinVar aggregate classification (germline): Likely benign (1 of 4 stars; one submission).

Allele frequency attached by ClinVar (database versions not stated): TOPMed 0.00002.

Submission:

GeneDx
Classification: Likely benign. Last evaluated: 2017-11-17. Review status: criteria provided, single submitter. Criteria: GeneDx Variant Classification (06012015). Collection method: clinical testing. Allele origin: germline. Affected: yes.
Comment: This variant is considered likely benign or benign based on one or more of the following criteria: it is a conservative change, it occurs at a poorly conserved position in the protein, it is predicted to be benign by multiple in silico algorithms, and/or has population frequency not consistent with disease.

NM_005002.5(NDUFA9):c.1122C>T (p.Thr374=)

Gene: NDUFA9 (NADH:ubiquinone oxidoreductase subunit A9; plus strand). Cytogenetic location: 12p13.32.
Variant type: single nucleotide variant.
Coding change: c.1122C>T on transcript NM_005002.5 (MANE Select); coding-DNA position 1122, C replaced by T.
Protein change: p.Thr374=; no amino-acid change (threonine 374 retained).
Molecular consequence: synonymous variant.
Genome position (GRCh38, 1-based): chr12:4,687,096, C>T. VCF-style: chr12-4687096-C-T. GRCh37 (hg19) VCF-style: chr12-4796262-C-T.
Identifiers: ClinVar variation 513255 (VCV000513255.1), dbSNP rs139060466, ClinGen allele CA6398384.